The following is an entry in ClinVar:

NM_025179.4(PLXNA2):c.982A>G (p.Ile328Val)

Gene: PLXNA2 (plexin A2; minus strand). Cytogenetic location: 1q32.2.
Variant type: single nucleotide variant.
Coding change: c.982A>G on transcript NM_025179.4 (MANE Select); coding-DNA position 982, A replaced by G.
Protein change: p.Ile328Val; replaces isoleucine 328 with valine.
Molecular consequence: missense variant.
Genome position (GRCh38, 1-based): chr1:208,216,941, T>C on the plus strand (A>G on the coding strand, the complement: PLXNA2 is on the minus strand). VCF-style: chr1-208216941-T-C. GRCh37 (hg19) VCF-style: chr1-208390286-T-C.
Other names: short protein forms I328V.
Identifiers: ClinVar variation 1524794 (VCV001524794.6), dbSNP rs1196989250, ClinGen allele CA344557861.

ClinVar aggregate classification (germline): Uncertain significance (1 of 4 stars; one submission).

Allele frequency attached by ClinVar (database versions not stated): gnomAD exomes below 0.00001; TOPMed below 0.00001.
gnomAD v4.1: 1 of 1,614,056 alleles (0.000062%); no homozygotes.

Submission:

Labcorp Genetics (formerly Invitae), Labcorp
Classification: Uncertain significance. Last evaluated: 2021-12-02. Review status: criteria provided, single submitter. Criteria: Invitae Variant Classification Sherloc (09022015). Collection method: clinical testing. Allele origin: germline.
Comment: In summary, the available evidence is currently insufficient to determine the role of this variant in disease. Therefore, it has been classified as a Variant of Uncertain Significance. This sequence change replaces isoleucine, which is neutral and non-polar, with valine, which is neutral and non-polar, at codon 328 of the PLXNA2 protein (p.Ile328Val). This variant is present in population databases (no rsID available, gnomAD 0.0009%). This variant has not been reported in the literature in individuals affected with PLXNA2-related conditions. Algorithms developed to predict the effect of missense changes on protein structure and function output the following: SIFT: "Deleterious"; PolyPhen-2: "Benign"; Align-GVGD: "Class C0". The valine amino acid residue is found in multiple mammalian species, which suggests that this missense change does not adversely affect protein function.